The following is an entry in ClinVar:

NM_024675.4(PALB2):c.832del (p.Asp277_Leu278insTer)

Gene: PALB2 (partner and localizer of BRCA2; minus strand). Cytogenetic location: 16p12.2.
Variant type: Deletion.
Coding change: c.832del on transcript NM_024675.4 (MANE Select); coding-DNA position 832, one base deleted (C; older notation c.832delC).
Protein change: p.Asp277_Leu278insTer.
Molecular consequence: nonsense.
Genome position (GRCh38, 1-based): chr16:23,635,714, G deleted on the plus strand (C on the coding strand, the reverse complement: PALB2 is on the minus strand); the first of 2 consecutive G bases (chr16:23,635,714-23,635,715); deleting either gives the same sequence. VCF-style (leftmost placement, unchanged base first): chr16-23635713-AG-A. GRCh37 (hg19) VCF-style: chr16-23647034-AG-A.
Other names: c.832delC (NM_024675.3).
Identifiers: ClinVar variation 640519 (VCV000640519.7), dbSNP rs1597098138, ClinGen allele CA915949212.

ClinVar aggregate classification (germline): Pathogenic (1 of 4 stars; one submission).

Conditions:
Familial cancer of breast. Also called: BREAST CANCER, FAMILIAL; hereditary breast carcinoma; Hereditary breast cancer. Identifiers: Orphanet 227535, MedGen C0346153, MONDO:0016419, OMIM 114480. Disease mechanism: loss of function.

Submission:

Labcorp Genetics (formerly Invitae), Labcorp
Classification: Pathogenic for Familial cancer of breast. Last evaluated: 2018-09-03. Review status: criteria provided, single submitter. Criteria: Invitae Variant Classification Sherloc (09022015). Collection method: clinical testing. Allele origin: germline.
Comment: This sequence change creates a premature translational stop signal (p.Leu278*) in the PALB2 gene. It is expected to result in an absent or disrupted protein product. This variant is not present in population databases (ExAC no frequency). This variant has not been reported in the literature in individuals with PALB2-related disease. Loss-of-function variants in PALB2 are known to be pathogenic (PMID: 17200668, 24136930, 25099575). For these reasons, this variant has been classified as Pathogenic.

Literature cited by the submitters: PubMed 17200668; PubMed 24136930; PubMed 25099575.